The following is an entry in ClinVar:

NM_001538.4(HSF4):c.-250C>T

Gene: HSF4 (heat shock transcription factor 4; plus strand). Cytogenetic location: 16q22.1.
Variant type: single nucleotide variant.
Coding change: c.-250C>T on transcript NM_001538.4; 250 bases upstream of the start codon, C replaced by T.
Molecular consequence: 5 prime UTR variant.
Genome position (GRCh38, 1-based): chr16:67,164,562, C>T. VCF-style: chr16-67164562-C-T. GRCh37 (hg19) VCF-style: chr16-67198465-C-T.
Other names: c.-250C>T (NM_001040667.3).
Identifiers: ClinVar variation 320171 (VCV000320171.11), dbSNP rs140579779, ClinGen allele CA8101649.

ClinVar aggregate classification (germline): Likely benign. Review status: criteria provided, multiple submitters, no conflicts (2 of 4 stars). 3 submissions from 3 submitters: Likely benign (3). Last evaluated 2019-12-24.

Conditions:
Cataract 5 multiple types (CTRCT5). Also called: Lamellar cataract; CATARACT 5, LAMELLAR; CATARACT, MARNER TYPE. Identifiers: Orphanet 91492, MedGen C0266537, MONDO:0007290, OMIM 116800, HP:0007971.

Allele frequency attached by ClinVar (database versions not stated): gnomAD exomes 0.02502 and 0.02248; gnomAD 0.02554 and 0.02431; 1000 Genomes Project 0.01877; ExAC 0.02458.
gnomAD v4.1: 11,112 of 446,364 alleles (2.5%); highest among the groups gnomAD compares: Non-Finnish European, 3%; 173 homozygotes.

Submissions (3):

GeneDx
Classification: Likely benign. Last evaluated: 2019-12-24. Review status: criteria provided, single submitter. Criteria: GeneDx Variant Classification Process June 2021. Collection method: clinical testing. Allele origin: germline. Affected: yes.

Illumina Laboratory Services, Illumina
Classification: Likely benign for Cataract 5 multiple types. Last evaluated: 2017-04-27. Review status: criteria provided, single submitter. Criteria: ICSL Variant Classification Criteria 13 December 2019. Collection method: clinical testing. Allele origin: germline.
Comment: This variant was observed as part of a predisposition screen in an ostensibly healthy population. A literature search was performed for the gene, cDNA change, and amino acid change (where applicable). No publications were found based on this search. Allele frequency data from public databases allowed determination this variant is unlikely to cause disease. Therefore, this variant is classified as likely benign.

Breakthrough Genomics
Classification: Likely benign. Review status: criteria provided, single submitter. Criteria: ACMG Guidelines, 2015. Collection method: not provided. Allele origin: germline. Inheritance: Autosomal dominant inheritance. Affected: yes.